The following is an entry in ClinVar:

NM_002335.4(LRP5):c.998G>A (p.Gly333Asp)

Gene: LRP5 (LDL receptor related protein 5; plus strand). Cytogenetic location: 11q13.2.
Variant type: single nucleotide variant.
Coding change: c.998G>A on transcript NM_002335.4 (MANE Select); coding-DNA position 998, G replaced by A.
Protein change: p.Gly333Asp; replaces glycine 333 with aspartic acid.
Molecular consequence: missense variant. On other transcripts: 5 prime UTR variant (1).
Genome position (GRCh38, 1-based): chr11:68,365,685, G>A. VCF-style: chr11-68365685-G-A. GRCh37 (hg19) VCF-style: chr11-68133153-G-A.
Other names: c.998G>A (NM_002335.2, NM_002335.3); c.-768G>A (NM_001291902.2); short protein forms G333D.
Identifiers: ClinVar variation 1525279 (VCV001525279.12), dbSNP rs764782174, ClinGen allele CA6149179.

ClinVar aggregate classification (germline): Uncertain significance. Review status: criteria provided, multiple submitters, no conflicts (2 of 4 stars). 4 submissions from 4 submitters: Uncertain significance (4). Last evaluated 2025-12-26.

Conditions:
LRP5-related disorder. Also called: LRP5-related condition.
Inborn genetic diseases. Identifiers: MedGen C0950123, MeSH D030342.

Allele frequency attached by ClinVar (database versions not stated): TOPMed 0.00001.
gnomAD v4.1: 10 of 1,560,964 alleles (0.00064%); highest among the groups gnomAD compares: East Asian, 0.024%; no homozygotes.

Submissions (4):

PreventionGenetics, part of Exact Sciences
Classification: Uncertain significance for LRP5-related condition. Last evaluated: 2025-12-26. Review status: criteria provided, single submitter. Criteria: ACMG Guidelines, 2015. Collection method: clinical testing. Allele origin: germline.
Comment: The LRP5 c.998G>A variant is predicted to result in the amino acid substitution p.Gly333Asp. To our knowledge, this variant has not been reported in the literature. This variant is present in 0.045% of alleles in individuals of East Asian descent in gnomAD. At this time, the clinical significance of this variant is uncertain due to the absence of conclusive functional and genetic evidence.

Labcorp Genetics (formerly Invitae), Labcorp
Classification: Uncertain significance. Last evaluated: 2025-09-23. Review status: criteria provided, single submitter. Criteria: Invitae Variant Classification Sherloc (09022015). Collection method: clinical testing. Allele origin: germline.
Comment: This sequence change replaces glycine, which is neutral and non-polar, with aspartic acid, which is acidic and polar, at codon 333 of the LRP5 protein (p.Gly333Asp). This variant is present in population databases (rs764782174, gnomAD 0.05%). This variant has not been reported in the literature in individuals affected with LRP5-related conditions. ClinVar contains an entry for this variant (Variation ID: 1525279). Invitae Evidence Modeling of protein sequence and biophysical properties (such as structural, functional, and spatial information, amino acid conservation, physicochemical variation, residue mobility, and thermodynamic stability) has been performed for this missense variant. However, the output from this modeling did not meet the statistical confidence thresholds required to predict the impact of this variant on LRP5 protein function. In summary, the available evidence is currently insufficient to determine the role of this variant in disease. Therefore, it has been classified as a Variant of Uncertain Significance.

GeneDx
Classification: Uncertain significance. Last evaluated: 2025-02-19. Review status: criteria provided, single submitter. Criteria: GeneDx Variant Classification Process June 2021. Collection method: clinical testing. Allele origin: germline. Affected: yes.
Comment: In silico analysis indicates that this missense variant does not alter protein structure/function; Has not been previously published as pathogenic or benign to our knowledge

Ambry Genetics
Classification: Uncertain significance for Inborn genetic diseases. Last evaluated: 2023-05-03. Review status: criteria provided, single submitter. Criteria: Ambry Variant Classification Scheme 2023. Collection method: clinical testing. Allele origin: germline.